The following is an entry in ClinVar:

ClinVar aggregate classification (germline): not provided (0 of 4 stars; one submission).

Conditions:
Familial long QT syndrome (RWS). Also called: Congenital long QT syndrome; Romano-Ward syndrome; VENTRICULAR FIBRILLATION WITH PROLONGED QT INTERVAL. Identifiers: Orphanet 768, MedGen C1141890, MONDO:0019171.

Submission:

Cardiovascular Biomedical Research Unit, Royal Brompton & Harefield NHS Foundation Trust
No classification provided. Condition: Familial long QT syndrome. Review status: no classification provided. Collection method: literature only. Allele origin: germline.
Comment: This variant has been reported as associated with Long QT syndrome in the following publications (PMID:19165230). This is a literature report, and does not necessarily reflect the clinical interpretation of the Imperial College / Royal Brompton Cardiovascular Genetics laboratory.

Literature cited by the submitters: PubMed 19165230; PubMed 22581653.

NM_000238.4(KCNH2):c.1879T>A (p.Phe627Ile)

Gene: KCNH2 (potassium voltage-gated channel subfamily H member 2; minus strand). Cytogenetic location: 7q36.1.
Variant type: single nucleotide variant.
Coding change: c.1879T>A on transcript NM_000238.4 (MANE Select); coding-DNA position 1879, T replaced by A.
Protein change: p.Phe627Ile; replaces phenylalanine 627 with isoleucine.
Molecular consequence: missense variant.
Genome position (GRCh38, 1-based): chr7:150,951,514, A>T on the plus strand (T>A on the coding strand, the complement: KCNH2 is on the minus strand). VCF-style: chr7-150951514-A-T. GRCh37 (hg19) VCF-style: chr7-150648602-A-T.
Other names: c.1879T>A (LRG_288t1); c.859T>A, p.Phe287Ile (NM_001204798.2, NM_172057.3); c.1591T>A, p.Phe531Ile (NM_001406753.1, NM_001406756.1); c.1702T>A, p.Phe568Ile (NM_001406755.1); c.1579T>A, p.Phe527Ile (NM_001406757.1); c.1879T>A, p.Phe627Ile (NM_172056.3); short protein forms F287I, F627I, F527I, F531I, F568I.
Identifiers: ClinVar variation 67308 (VCV000067308.3), dbSNP rs199472954, ClinGen allele CA005772.